The following is an entry in ClinVar:

NM_003482.4(KMT2D):c.12406C>T (p.Gln4136Ter)

Gene: KMT2D (lysine methyltransferase 2D; minus strand). Cytogenetic location: 12q13.12.
Variant type: single nucleotide variant.
Coding change: c.12406C>T on transcript NM_003482.4 (MANE Select); coding-DNA position 12406, C replaced by T.
Protein change: p.Gln4136Ter; replaces glutamine 4136 with a stop codon.
Molecular consequence: nonsense.
Genome position (GRCh38, 1-based): chr12:49,032,299, G>A on the plus strand (C>T on the coding strand, the complement: KMT2D is on the minus strand). VCF-style: chr12-49032299-G-A. GRCh37 (hg19) VCF-style: chr12-49426082-G-A.
Other names: short protein forms Q4136*.
Identifiers: ClinVar variation 94156 (VCV000094156.7), dbSNP rs398123711, ClinGen allele CA222003.
Genomic context (GRCh38, chr12:49,032,299, plus strand): 5'-GGGGGCCCAGAAGGTTCTGGGTCATGGACCCAGGCTGATCCCCTAAGGAAACAGAGGGCT[G>A]AGCCAGCAGGTGGGGCACAGATGAGGCCTCAGAAGATGATCCACTGCCTAGCTGCCCATG-3'

ClinVar aggregate classification (germline): Pathogenic. Review status: criteria provided, multiple submitters, no conflicts (2 of 4 stars). 2 submissions from 2 submitters: Pathogenic (2). Last evaluated 2024-10-04.

Conditions:
Branchial cleft anomaly. Also called: Branchial Cleft Remnant; BRANCHIAL CLEFT ANOMALIES. Identifiers: MedGen C0079037, OMIM 113600.

Submissions (2):

Dubai Health Genomic Medicine Center, Dubai Health
Classification: Pathogenic for BRANCHIAL CLEFT ANOMALIES. Last evaluated: 2024-10-04. Review status: criteria provided, single submitter. Criteria: ACMG Guidelines, 2015. Collection method: research. Allele origin: germline. Affected: yes.
Comment: PVS1,PM6 (strong),PM2

Eurofins Ntd Llc (ga)
Classification: Pathogenic. Last evaluated: 2012-11-19. Review status: criteria provided, single submitter. Criteria: EGL Classification Definitions. Collection method: clinical testing. Allele origin: germline. Observed: 1 variant allele, 1 heterozygote.